The following is an entry in ClinVar:

ClinVar aggregate classification (germline): Uncertain significance (1 of 4 stars; one submission).

Submission:

Labcorp Genetics (formerly Invitae), Labcorp
Classification: Uncertain significance. Last evaluated: 2022-08-23. Review status: criteria provided, single submitter. Criteria: Invitae Variant Classification Sherloc (09022015). Collection method: clinical testing. Allele origin: germline.
Comment: This variant is not present in population databases (gnomAD no frequency). In summary, the available evidence is currently insufficient to determine the role of this variant in disease. Therefore, it has been classified as a Variant of Uncertain Significance. Algorithms developed to predict the effect of missense changes on protein structure and function (SIFT, PolyPhen-2, Align-GVGD) all suggest that this variant is likely to be tolerated. ClinVar contains an entry for this variant (Variation ID: 953534). This variant has not been reported in the literature in individuals affected with FAM161A-related conditions. This sequence change replaces cysteine, which is neutral and slightly polar, with phenylalanine, which is neutral and non-polar, at codon 411 of the FAM161A protein (p.Cys411Phe).

NM_001201543.2(FAM161A):c.1232G>T (p.Cys411Phe)

Gene: FAM161A (FAM161 centrosomal protein A; minus strand). Cytogenetic location: 2p15.
Variant type: single nucleotide variant.
Coding change: c.1232G>T on transcript NM_001201543.2 (MANE Select); coding-DNA position 1232, G replaced by T.
Protein change: p.Cys411Phe; replaces cysteine 411 with phenylalanine.
Molecular consequence: missense variant. On other transcripts: non-coding transcript variant (1).
Genome position (GRCh38, 1-based): chr2:61,839,772, C>A on the plus strand (G>T on the coding strand, the complement: FAM161A is on the minus strand). VCF-style: chr2-61839772-C-A. GRCh37 (hg19) VCF-style: chr2-62066907-C-A.
Other names: c.1232G>T, p.Cys411Phe (NM_032180.3); short protein forms C411F.
Identifiers: ClinVar variation 953534 (VCV000953534.9), dbSNP rs1672930842, ClinGen allele CA346986979.